The following is an entry in ClinVar:

NM_004415.4(DSP):c.6279C>G (p.Ile2093Met)

Gene: DSP (desmoplakin; plus strand). Cytogenetic location: 6p24.3.
Variant type: single nucleotide variant.
Coding change: c.6279C>G on transcript NM_004415.4 (MANE Select); coding-DNA position 6279, C replaced by G.
Protein change: p.Ile2093Met; replaces isoleucine 2093 with methionine.
Molecular consequence: missense variant.
Genome position (GRCh38, 1-based): chr6:7,583,541, C>G. VCF-style: chr6-7583541-C-G. GRCh37 (hg19) VCF-style: chr6-7583774-C-G.
Other names: c.4482C>G, p.Ile1494Met (NM_001008844.3); c.4950C>G, p.Ile1650Met (NM_001319034.2); short protein forms I1650M, I2093M, I1494M.
Identifiers: ClinVar variation 4614054 (VCV004614054.1).

ClinVar aggregate classification (germline): Uncertain significance (1 of 4 stars; one submission).

Conditions:
Cardiovascular phenotype. Identifiers: MedGen CN230736.

Submission:

Ambry Genetics
Classification: Uncertain significance for Cardiovascular phenotype. Last evaluated: 2025-12-11. Review status: criteria provided, single submitter. Criteria: Ambry Variant Classification Scheme 2023. Collection method: clinical testing. Allele origin: germline.
Comment: The p.I2093M variant (also known as c.6279C>G), located in coding exon 24 of the DSP gene, results from a C to G substitution at nucleotide position 6279. The isoleucine at codon 2093 is replaced by methionine, an amino acid with highly similar properties. This amino acid position is conserved. In addition, this alteration is predicted to be tolerated by in silico analysis. Based on the available evidence, the clinical significance of this variant remains unclear.